The following is an entry in ClinVar:

NC_000013.10:g.(?_32899193)_(32900770_?)del

Gene: BRCA2 (BRCA2 DNA repair associated; plus strand). Cytogenetic location: 13q13.1.
Variant type: Deletion.
Identifiers: ClinVar variation 1060880 (VCV001060880.10).

ClinVar aggregate classification (germline): Uncertain significance (1 of 4 stars; one submission).

Conditions:
Hereditary breast ovarian cancer syndrome. Also called: Hereditary breast and/or ovarian cancer syndrome; Breast and ovarian cancer; BRCA1- and BRCA2-Associated Hereditary Breast and Ovarian Cancer; Hereditary breast and ovarian cancer syndrome; Hereditary breast and ovarian cancer syndrome (HBOC); Hereditary breast and ovarian cancer. Identifiers: Orphanet 145, MedGen C0677776, MeSH D061325, MONDO:0003582. Disease mechanism: loss of function.

Submission:

Labcorp Genetics (formerly Invitae), Labcorp
Classification: Uncertain significance for Hereditary breast ovarian cancer syndrome. Last evaluated: 2023-12-14. Review status: criteria provided, single submitter. Criteria: Invitae Variant Classification Sherloc (09022015). Collection method: clinical testing. Allele origin: germline.
Comment: This variant is a gross deletion of the genomic region encompassing exon(s) 4-7 of the BRCA2 gene. This variant would be expected to be in-frame, preserving the integrity of the reading frame. This variant has not been reported in the literature in individuals affected with BRCA2-related conditions. Algorithms developed to predict the effect of variants on protein structure and function are not available or were not evaluated for this variant. Experimental studies have shown that a similar copy number variant does not substantially affect BRCA2 function (PMID: 12815053, 21719596, 26920070). In summary, the available evidence is currently insufficient to determine the role of this variant in disease. Therefore, it has been classified as a Variant of Uncertain Significance.

Literature cited by the submitters: PubMed 12815053; PubMed 21719596; PubMed 26920070.